The following is an entry in ClinVar:

NM_152296.5(ATP1A3):c.2921+2T>G

Gene: ATP1A3 (ATPase Na+/K+ transporting subunit alpha 3; minus strand). Cytogenetic location: 19q13.2.
Variant type: single nucleotide variant.
Coding change: c.2921+2T>G on transcript NM_152296.5 (MANE Select); the canonical splice donor site of the intron after coding-DNA position 2921, T replaced by G.
Molecular consequence: splice donor variant.
Genome position (GRCh38, 1-based): chr19:41,967,660, A>C on the plus strand (T>G on the coding strand, the complement: ATP1A3 is on the minus strand). VCF-style: chr19-41967660-A-C. GRCh37 (hg19) VCF-style: chr19-42471812-A-C.
Other names: c.2960+2T>G (NM_001256214.2); c.2954+2T>G (NM_001256213.2).
Identifiers: ClinVar variation 4818897 (VCV004818897.1).
Genomic context (GRCh38, chr19:41,967,660, plus strand): 5'-CTAAGGGAAGGCTCCATGGCAGGCGCTGGTGTGGGCAGGGCTGGGGGCAGCGGGGCACTC[A>C]CTTGAGAGGGTACATGCGCAGGGCCACGTCCATGCCGGGGCAGTAGGACAGGAAGGCAGC-3'

ClinVar aggregate classification (germline): Uncertain significance (1 of 4 stars; one submission).

Submission:

GeneDx
Classification: Uncertain significance. Last evaluated: 2025-09-26. Review status: criteria provided, single submitter. Criteria: GeneDx Variant Classification Process June 2021. Collection method: clinical testing. Allele origin: germline. Affected: yes.
Comment: Not observed at significant frequency in large population cohorts (gnomAD); Canonical splice site variant with an unclear effect on protein function; Has not been previously published as pathogenic or benign to our knowledge